The following is an entry in ClinVar:

NM_000245.4(MET):c.2002C>T (p.Pro668Ser)

Gene: MET (MET proto-oncogene, receptor tyrosine kinase; plus strand). Cytogenetic location: 7q31.2.
Variant type: single nucleotide variant.
Coding change: c.2002C>T on transcript NM_000245.4 (MANE Select); coding-DNA position 2002, C replaced by T.
Protein change: p.Pro668Ser; replaces proline 668 with serine.
Molecular consequence: missense variant.
Genome position (GRCh38, 1-based): chr7:116,757,674, C>T. VCF-style: chr7-116757674-C-T. GRCh37 (hg19) VCF-style: chr7-116397728-C-T.
Other names: c.2002C>T, p.Pro668Ser (NM_001127500.3, NM_001324401.3); c.712C>T, p.Pro238Ser (NM_001324402.2); short protein forms P668S, P238S.
Identifiers: ClinVar variation 3641625 (VCV003641625.3).

ClinVar aggregate classification (germline): Uncertain significance. Review status: criteria provided, multiple submitters, no conflicts (2 of 4 stars). 2 submissions from 2 submitters: Uncertain significance (2). Last evaluated 2025-08-06.

Conditions:
Hereditary cancer-predisposing syndrome. Also called: Hereditary neoplastic syndrome; Tumor predisposition; Hereditary Cancer Syndrome; Neoplastic Syndromes, Hereditary. Identifiers: Orphanet 140162, MedGen C0027672, MeSH D009386, MONDO:0015356.
Renal cell carcinoma. Identifiers: Orphanet 217071, MedGen C0007134, MeSH D002292, MONDO:0005086, HP:0005584.

Submissions (2):

Labcorp Genetics (formerly Invitae), Labcorp
Classification: Uncertain significance for Renal cell carcinoma. Last evaluated: 2025-08-06. Review status: criteria provided, single submitter. Criteria: Invitae Variant Classification Sherloc (09022015). Collection method: clinical testing. Allele origin: germline.
Comment: This sequence change replaces proline, which is neutral and non-polar, with serine, which is neutral and polar, at codon 668 of the MET protein (p.Pro668Ser). This variant is not present in population databases (gnomAD no frequency). This variant has not been reported in the literature in individuals affected with MET-related conditions. ClinVar contains an entry for this variant (Variation ID: 3641625). Invitae Evidence Modeling of protein sequence and biophysical properties (such as structural, functional, and spatial information, amino acid conservation, physicochemical variation, residue mobility, and thermodynamic stability) has been performed for this missense variant. However, the output from this modeling did not meet the statistical confidence thresholds required to predict the impact of this variant on MET protein function. In summary, the available evidence is currently insufficient to determine the role of this variant in disease. Therefore, it has been classified as a Variant of Uncertain Significance.

Ambry Genetics
Classification: Uncertain significance for Hereditary cancer-predisposing syndrome. Last evaluated: 2024-12-20. Review status: criteria provided, single submitter. Criteria: Ambry Variant Classification Scheme 2023. Collection method: clinical testing. Allele origin: germline.
Comment: The p.P668S variant (also known as c.2002C>T), located in coding exon 7 of the MET gene, results from a C to T substitution at nucleotide position 2002. The proline at codon 668 is replaced by serine, an amino acid with similar properties. This amino acid position is highly conserved in available vertebrate species. In addition, this alteration is predicted to be deleterious by in silico analysis. Based on the available evidence, the clinical significance of this variant remains unclear.